The following is an entry in ClinVar:

NM_012330.4(KAT6B):c.5206C>T (p.Gln1736Ter)

Gene: KAT6B (lysine acetyltransferase 6B; plus strand). Cytogenetic location: 10q22.2.
Variant type: single nucleotide variant.
Coding change: c.5206C>T on transcript NM_012330.4 (MANE Select); coding-DNA position 5206, C replaced by T.
Protein change: p.Gln1736Ter; replaces glutamine 1736 with a stop codon.
Molecular consequence: nonsense.
Genome position (GRCh38, 1-based): chr10:75,030,030, C>T. VCF-style: chr10-75030030-C-T. GRCh37 (hg19) VCF-style: chr10-76789788-C-T.
Other names: c.4657C>T, p.Gln1553Ter (NM_001256468.2, NM_001370138.1); c.4330C>T, p.Gln1444Ter (NM_001256469.2, NM_001370139.1, NM_001370140.1 and 2 more transcripts); c.4168C>T, p.Gln1390Ter (NM_001370132.1); c.3517C>T, p.Gln1173Ter (NM_001370133.1); c.3121C>T, p.Gln1041Ter (NM_001370134.1); c.2863C>T, p.Gln955Ter (NM_001370135.1); c.5206C>T, p.Gln1736Ter (NM_001370136.1, NM_001370137.1); c.4141C>T, p.Gln1381Ter (NM_001370143.1, NM_001370144.1); short protein forms Q1041*, Q1173*, Q1381*, Q1390*, Q1444*, Q1553*, Q1736*, Q955*.
Identifiers: ClinVar variation 4082189 (VCV004082189.1).

ClinVar aggregate classification (germline): Likely pathogenic (1 of 4 stars; one submission).

Conditions:
Blepharophimosis - intellectual disability syndrome, SBBYS type (SBBYSS). Also called: Say-Barber-Biesecker-Young-Simpson variant of Ohdo Syndrome; Say-Barber-Biesecker Variant of Ohdo Syndrome; Young Simpson syndrome; Mental retardation unusual facies hypothyroidism; Say-Barber-Biesecker variant of Ohdo syndrome (SBBYSS); Ohdo syndrome, SBBYS variant. Identifiers: Orphanet 3047, MedGen C1863557, MONDO:0011365, OMIM 603736.

Submission:

Kasturba Medical College, Manipal, Kasturba Medical College, Manipal, Manipal Academy of Higher Education, Manipal, India
Classification: Likely pathogenic for Blepharophimosis - intellectual disability syndrome, SBBYS type. Review status: criteria provided, single submitter. Criteria: ACMG Guidelines, 2015. Collection method: research. Allele origin: de novo. Inheritance: Autosomal dominant inheritance. Affected: yes. Observed: 1 heterozygote.
Comment: This variant is not observed in homozygous and/or heterozygous state in gnomAD database (v4.1.0) and our in-house data of 3786 exomes. This variant introduces a premature stop codon which may either trigger nonsense-mediated mRNA decay or result in a truncated protein product.